The following is an entry in ClinVar:

ClinVar aggregate classification (germline): Pathogenic. Review status: criteria provided, multiple submitters, no conflicts (2 of 4 stars). 2 submissions from 2 submitters: Pathogenic (2). Last evaluated 2021-03-12.

Conditions:
Aortic valve disease 2 (AOVD2). Identifiers: MedGen C3542024, MONDO:0013902, OMIM 614823.

Submissions (2):

GeneDx
Classification: Pathogenic. Last evaluated: 2021-03-12. Review status: criteria provided, single submitter. Criteria: GeneDx Variant Classification Process June 2021. Collection method: clinical testing. Allele origin: germline. Affected: yes.
Comment: Nonsense variant predicted to result in protein truncation or nonsense mediated decay in a gene for which loss-of-function is a known mechanism of disease; Not observed in large population cohorts (Lek et al., 2016); Has not been previously published as pathogenic or benign to our knowledge

Labcorp Genetics (formerly Invitae), Labcorp
Classification: Pathogenic for Aortic valve disease 2. Last evaluated: 2020-05-27. Review status: criteria provided, single submitter. Criteria: Invitae Variant Classification Sherloc (09022015). Collection method: clinical testing. Allele origin: germline.
Comment: Loss-of-function variants in TBX5 are known to be pathogenic (PMID: 16183809, 16917909). This variant is not present in population databases (ExAC no frequency). This variant has not been reported in the literature in individuals with TBX5-related conditions. ClinVar contains an entry for this variant (Variation ID: 213820). For these reasons, this variant has been classified as Pathogenic. This sequence change creates a premature translational stop signal (p.Gln48*) in the TBX5 gene. It is expected to result in an absent or disrupted protein product.

Literature cited by the submitters: PubMed 16183809 (cited by Labcorp Genetics (formerly Invitae), Labcorp); PubMed 16917909 (cited by Labcorp Genetics (formerly Invitae), Labcorp).

NM_181486.4(TBX5):c.142C>T (p.Gln48Ter)

Gene: TBX5 (T-box transcription factor 5; minus strand). Cytogenetic location: 12q24.21.
Variant type: single nucleotide variant.
Coding change: c.142C>T on transcript NM_181486.4 (MANE Select); coding-DNA position 142, C replaced by T.
Protein change: p.Gln48Ter; replaces glutamine 48 with a stop codon.
Molecular consequence: nonsense. On other transcripts: intron variant (1).
Genome position (GRCh38, 1-based): chr12:114,403,757, G>A on the plus strand (C>T on the coding strand, the complement: TBX5 is on the minus strand). VCF-style: chr12-114403757-G-A. GRCh37 (hg19) VCF-style: chr12-114841562-G-A.
Other names: p.Q48*:CAG>TAG; c.142C>T, p.Gln48Ter (NM_000192.3); c.-3-1837C>T (NM_080717.4); short protein forms Q48*.
Identifiers: ClinVar variation 213820 (VCV000213820.10), dbSNP rs863223777, ClinGen allele CA325146.